The following is an entry in ClinVar:

ClinVar aggregate classification (germline): Conflicting classifications of pathogenicity. Review status: criteria provided, conflicting classifications (1 of 4 stars). 2 submissions from 2 submitters: Pathogenic (1); Uncertain significance (1). Last evaluated 2018-01-08.

Conditions:
Developmental and epileptic encephalopathy, 1 (DEE1). Also called: OHTAHARA SYNDROME, X-LINKED; INFANTILE SPASM SYNDROME, X-LINKED 1; Epileptic encephalopathy, early infantile, 1; X-linked infantile spasms; West's syndrome; Tonic spasms with clustering, arrest of psychomotor development and hypsarrhythmia on EEG. Identifiers: MedGen C3463992, MONDO:0010632, OMIM 308350. Disease mechanism: loss of function.
Autosomal recessive spinocerebellar ataxia 12. Also called: SPINOCEREBELLAR ATAXIA WITH MENTAL RETARDATION AND EPILEPSY. Identifiers: Orphanet 284282, MedGen C3280452, MONDO:0013687, OMIM 614322.

Submissions (2):

Labcorp Genetics (formerly Invitae), Labcorp
Classification: Uncertain significance for Developmental and epileptic encephalopathy, 1; Autosomal recessive spinocerebellar ataxia 12. Last evaluated: 2018-01-08. Review status: criteria provided, single submitter. Criteria: Invitae Variant Classification Sherloc (09022015). Collection method: clinical testing. Allele origin: germline.
Comment: In summary, the available evidence is currently insufficient to determine the role of this variant in disease. Therefore, it has been classified as a Variant of Uncertain Significance. Algorithms developed to predict the effect of missense changes on protein structure and function do not agree on the potential impact of this missense change (SIFT: "Deleterious"; PolyPhen-2: "Possibly Damaging"; Align-GVGD: "Class C0"). This variant has not been reported in the literature in individuals with WWOX-related disease. This variant is not present in population databases (ExAC no frequency). This sequence change replaces threonine with arginine at codon 12 of the WWOX protein (p.Thr12Arg). The threonine residue is moderately conserved and there is a moderate physicochemical difference between threonine and arginine.

Equipe Genetique des Anomalies du Developpement, Université de Bourgogne
Classification: Pathogenic for Autosomal recessive spinocerebellar ataxia 12. Review status: criteria provided, single submitter. Criteria: ACMG Guidelines, 2015. Collection method: clinical testing. Allele origin: maternal. Affected: yes.

NM_016373.4(WWOX):c.35C>G (p.Thr12Arg)

Gene: WWOX (WW domain containing oxidoreductase; plus strand). Cytogenetic location: 16q23.1.
Variant type: single nucleotide variant.
Coding change: c.35C>G on transcript NM_016373.4 (MANE Select); coding-DNA position 35, C replaced by G.
Protein change: p.Thr12Arg; replaces threonine 12 with arginine.
Molecular consequence: missense variant. On other transcripts: 5 prime UTR variant (1), non-coding transcript variant (2).
Genome position (GRCh38, 1-based): chr16:78,099,813, C>G. VCF-style: chr16-78099813-C-G. GRCh37 (hg19) VCF-style: chr16-78133710-C-G.
Other names: c.-240C>G (NM_001291997.2); c.35C>G, p.Thr12Arg (NM_130791.5); short protein forms T12R.
Identifiers: ClinVar variation 569653 (VCV000569653.8), dbSNP rs1567567249, ClinGen allele CA396841793.